The following is an entry in ClinVar:

NM_000243.3(MEFV):c.1611-1G>C

Gene: MEFV (MEFV innate immunity regulator, pyrin; minus strand). Cytogenetic location: 16p13.3.
Variant type: single nucleotide variant.
Coding change: c.1611-1G>C on transcript NM_000243.3 (MANE Select); the canonical splice acceptor site of the intron before coding-DNA position 1611, G replaced by C.
Molecular consequence: splice acceptor variant.
Genome position (GRCh38, 1-based): chr16:3,244,589, C>G on the plus strand (G>C on the coding strand, the complement: MEFV is on the minus strand). VCF-style: chr16-3244589-C-G. GRCh37 (hg19) VCF-style: chr16-3294589-C-G.
Other names: c.978-1G>C (NM_001198536.2).
Identifiers: ClinVar variation 3705918 (VCV003705918.3).

ClinVar aggregate classification (germline): Uncertain significance (1 of 4 stars; one submission).

Conditions:
Familial Mediterranean fever (FMF). Also called: POLYSEROSITIS, FAMILIAL PAROXYSMAL; POLYSEROSITIS, RECURRENT; Periodic peritonitis; Benign paroxysmal peritonitis. Identifiers: Orphanet 342, MedGen C0031069, MONDO:0018088, OMIM 249100. Disease mechanism: gain of function.

gnomAD v4.1: 2 of 1,612,472 alleles (0.00012%); highest among the groups gnomAD compares: Non-Finnish European, 0.00017%; no homozygotes.

Submissions (2):

Labcorp Genetics (formerly Invitae), Labcorp
Classification: Uncertain significance for Familial Mediterranean fever. Last evaluated: 2024-02-09. Review status: criteria provided, single submitter. Criteria: Invitae Variant Classification Sherloc (09022015). Collection method: clinical testing. Allele origin: germline.
Comment: This sequence change affects an acceptor splice site in intron 6 of the MEFV gene. It is expected to disrupt RNA splicing. Variants that disrupt the donor or acceptor splice site typically lead to a loss of protein function (PMID: 16199547), however the current clinical and genetic evidence is not sufficient to establish whether loss-of-function variants in MEFV cause disease. This variant is present in population databases (rs773992396, gnomAD 0.0009%). Disruption of this splice site has been observed in individual(s) with familial mediterranean fever (PMID: 31989427). Algorithms developed to predict the effect of sequence changes on RNA splicing suggest that this variant may disrupt the consensus splice site. In summary, the available evidence is currently insufficient to determine the role of this variant in disease. Therefore, it has been classified as a Variant of Uncertain Significance.

Dr. Peter K. Rogan Lab, Western University
No classification provided (evidence only). Condition: Melanoma. Review status: no classification provided. Collection method: in vitro. Allele origin: not applicable. Functional consequence: retained intron. Not counted in ClinVar's aggregate classification.

Literature cited by the submitters: PubMed 16199547 (cited by Labcorp Genetics (formerly Invitae), Labcorp); PubMed 31989427 (cited by Labcorp Genetics (formerly Invitae), Labcorp).